The following is an entry in ClinVar:

NM_198578.4(LRRK2):c.3106A>G (p.Ser1036Gly)

Gene: LRRK2 (leucine rich repeat kinase 2; plus strand). Cytogenetic location: 12q12.
Variant type: single nucleotide variant.
Coding change: c.3106A>G on transcript NM_198578.4 (MANE Select); coding-DNA position 3106, A replaced by G.
Protein change: p.Ser1036Gly; replaces serine 1036 with glycine.
Molecular consequence: missense variant.
Genome position (GRCh38, 1-based): chr12:40,298,252, A>G. VCF-style: chr12-40298252-A-G. GRCh37 (hg19) VCF-style: chr12-40692054-A-G.
Other names: short protein forms S1036G.
Identifiers: ClinVar variation 3229592 (VCV003229592.1), dbSNP rs2499744560, ClinGen allele CA384413999.

ClinVar aggregate classification (germline): Uncertain significance (1 of 4 stars; one submission).

Conditions:
Inborn genetic diseases. Identifiers: MedGen C0950123, MeSH D030342.

Submission:

Ambry Genetics
Classification: Uncertain significance for Inborn genetic diseases. Last evaluated: 2023-12-19. Review status: criteria provided, single submitter. Criteria: Ambry Variant Classification Scheme 2023. Collection method: clinical testing. Allele origin: germline.
Comment: The p.S1036G variant (also known as c.3106A>G), located in coding exon 24 of the LRRK2 gene, results from an A to G substitution at nucleotide position 3106. The serine at codon 1036 is replaced by glycine, an amino acid with similar properties. This amino acid position is conserved. In addition, this alteration is predicted to be tolerated by in silico analysis. Since supporting evidence is limited at this time, the clinical significance of this alteration remains unclear.